The following is an entry in ClinVar:

ClinVar aggregate classification (germline): Uncertain significance (1 of 4 stars; one submission).

Conditions:
Cutis laxa, autosomal recessive, type 1B (ARCL1B). Also called: CUTIS LAXA, AUTOSOMAL RECESSIVE, TYPE IB; EFEMP2-Related Cutis Laxa. Identifiers: Orphanet 90349, MedGen C3280798, MONDO:0013754, OMIM 614437. Disease mechanism: loss of function.

Allele frequency attached by ClinVar (database versions not stated): gnomAD 0.00001; ExAC 0.00002.

Submission:

Labcorp Genetics (formerly Invitae), Labcorp
Classification: Uncertain significance for Cutis laxa, autosomal recessive, type 1B. Last evaluated: 2022-04-07. Review status: criteria provided, single submitter. Criteria: Invitae Variant Classification Sherloc (09022015). Collection method: clinical testing. Allele origin: germline.
Comment: This sequence change falls in intron 7 of the EFEMP2 gene. It does not directly change the encoded amino acid sequence of the EFEMP2 protein. This variant is present in population databases (rs779507339, gnomAD 0.02%). This variant has not been reported in the literature in individuals affected with EFEMP2-related conditions. Algorithms developed to predict the effect of sequence changes on RNA splicing suggest that this variant may create or strengthen a splice site. In summary, the available evidence is currently insufficient to determine the role of this variant in disease. Therefore, it has been classified as a Variant of Uncertain Significance.

NM_016938.5(EFEMP2):c.727+19C>G

Gene: EFEMP2 (EGF-like fibulin extracellular matrix protein 2; minus strand). Cytogenetic location: 11q13.1.
Variant type: single nucleotide variant.
Coding change: c.727+19C>G on transcript NM_016938.5 (MANE Select); 19 bases into the intron after coding-DNA position 727, C replaced by G.
Molecular consequence: intron variant.
Genome position (GRCh38, 1-based): chr11:65,869,838, G>C on the plus strand (C>G on the coding strand, the complement: EFEMP2 is on the minus strand). VCF-style: chr11-65869838-G-C. GRCh37 (hg19) VCF-style: chr11-65637309-G-C.
Identifiers: ClinVar variation 2417096 (VCV002417096.4), dbSNP rs779507339, ClinGen allele CA6110546.